The following is an entry in ClinVar:

NM_004859.4(CLTC):c.4573G>T (p.Val1525Leu)

Genes: CLTC (clathrin heavy chain; plus strand), LOC125177523 (Sharpr-MPRA regulatory region 12460; plus strand). Cytogenetic location: 17q23.1.
Variant type: single nucleotide variant.
Coding change: c.4573G>T on transcript NM_004859.4 (MANE Select); coding-DNA position 4573, G replaced by T.
Protein change: p.Val1525Leu; replaces valine 1525 with leucine.
Molecular consequence: missense variant.
Genome position (GRCh38, 1-based): chr17:59,685,194, G>T. VCF-style: chr17-59685194-G-T. GRCh37 (hg19) VCF-style: chr17-57762555-G-T.
Other names: c.4585G>T, p.Val1529Leu (NM_001288653.2); c.4585G>T (NM_001288653.1); short protein forms V1525L, V1529L.
Identifiers: ClinVar variation 1465544 (VCV001465544.9), dbSNP rs142167082, ClinGen allele CA8681756.
Genomic context (GRCh38, chr17:59,685,194, plus strand): 5'-ATTGAGTTCAGGAGAATTGCTGCTTATCTCTTCAAAGGCAACAATCGCTGGAAACAGAGT[G>T]TAGAGCTGTGCAAGAAAGACAGCCTTTACAAGGTTGATAAAGTTGCGGGGCAGGGGCTGT-3'
Protein context (NP_004850.1, residues 1515-1535): FKGNNRWKQS[Val1525Leu]ELCKKDSLYK

ClinVar aggregate classification (germline): Uncertain significance. Review status: criteria provided, single submitter (1 of 4 stars). 2 submissions from 2 submitters: Uncertain significance (1). 1 of the submissions does not count toward it. Last evaluated 2025-03-17.

Conditions:
CLTC-related disorder. Also called: CLTC-related condition.

Allele frequency attached by ClinVar (database versions not stated): gnomAD 0.00005 and 0.00006; TOPMed 0.00005; ESP Exome Variant Server 0.00008.
gnomAD v4.1: 10 of 1,609,058 alleles (0.00062%); highest among the groups gnomAD compares: Non-Finnish European, 0.00085%; no homozygotes.

Submissions (2):

Labcorp Genetics (formerly Invitae), Labcorp
Classification: Uncertain significance. Last evaluated: 2025-03-17. Review status: criteria provided, single submitter. Criteria: Invitae Variant Classification Sherloc (09022015). Collection method: clinical testing. Allele origin: germline.
Comment: This sequence change replaces valine, which is neutral and non-polar, with leucine, which is neutral and non-polar, at codon 1529 of the CLTC protein (p.Val1529Leu). This variant is present in population databases (rs142167082, gnomAD 0.005%). This missense change has been observed in individuals with clinical features of CLTC-related conditions (internal data). ClinVar contains an entry for this variant (Variation ID: 1465544). Invitae Evidence Modeling of protein sequence and biophysical properties (such as structural, functional, and spatial information, amino acid conservation, physicochemical variation, residue mobility, and thermodynamic stability) indicates that this missense variant is not expected to disrupt CLTC protein function with a negative predictive value of 80%. In summary, the available evidence is currently insufficient to determine the role of this variant in disease. Therefore, it has been classified as a Variant of Uncertain Significance.

PreventionGenetics, part of Exact Sciences
Classification: Uncertain significance for CLTC-related condition. Last evaluated: 2024-05-22. Review status: no assertion criteria provided. Collection method: clinical testing. Allele origin: germline. Not counted in ClinVar's aggregate classification.
Comment: The CLTC c.4585G>T variant is predicted to result in the amino acid substitution p.Val1529Leu. To our knowledge, this variant has not been reported in the literature. This variant is reported in 0.0047% of alleles in individuals of European (Non-Finnish) descent in gnomAD. At this time, the clinical significance of this variant is uncertain due to the absence of conclusive functional and genetic evidence.